The following is an entry in ClinVar:

NM_000505.4(F12):c.115+6T>G

Gene: F12 (coagulation factor XII; minus strand). Cytogenetic location: 5q35.3.
Variant type: single nucleotide variant.
Coding change: c.115+6T>G on transcript NM_000505.4 (MANE Select); 6 bases into the intron after coding-DNA position 115, T replaced by G.
Molecular consequence: intron variant.
Genome position (GRCh38, 1-based): chr5:177,409,040, A>C on the plus strand (T>G on the coding strand, the complement: F12 is on the minus strand). VCF-style: chr5-177409040-A-C. GRCh37 (hg19) VCF-style: chr5-176836041-A-C.
Identifiers: ClinVar variation 3056102 (VCV003056102.4), dbSNP rs1763348380, ClinGen allele CA1084820927.
Genomic context (GRCh38, chr5:177,409,040, plus strand): 5'-CTGCACACACTGCACCATACACATCCCCACCCAAGGGTTCCCGGGAGGAGGAGCCAGGCC[A>C]CTTACCGACTGTGTGCTCTTCAGCTTTGTACTTATGCTCCTTGGGGGCTTCCCAAGGTGG-3'

ClinVar aggregate classification (germline): Likely benign. Review status: criteria provided, multiple submitters, no conflicts (2 of 4 stars). 3 submissions from 3 submitters: Likely benign (2). 1 of the submissions does not count toward it. Last evaluated 2025-02-16.

Conditions:
F12-related disorder. Also called: F12-related condition; F12-related disorders. Identifiers: MedGen CN239389.

Submissions (3):

Laboratory of Genetics, Children's Clinical University Hospital Latvia
Classification: Likely benign. Last evaluated: 2025-02-16. Review status: criteria provided, single submitter. Criteria: ACMG Guidelines, 2015. Collection method: clinical testing. Allele origin: germline. Affected: yes.

Blueprint Genetics
Classification: Likely benign. Last evaluated: 2022-12-01. Review status: criteria provided, single submitter. Criteria: ACMG Guidelines, 2015. Collection method: clinical testing. Allele origin: germline.

PreventionGenetics, part of Exact Sciences
Classification: Likely benign for F12-related condition. Last evaluated: 2023-05-27. Review status: no assertion criteria provided. Collection method: clinical testing. Allele origin: germline. Not counted in ClinVar's aggregate classification.
Comment: This variant is classified as likely benign based on ACMG/AMP sequence variant interpretation guidelines (Richards et al. 2015 PMID: 25741868, with internal and published modifications).